The following is an entry in ClinVar:

NM_003737.4(DCHS1):c.9592C>T (p.Arg3198Cys)

Gene: DCHS1 (dachsous cadherin-related 1; minus strand). Cytogenetic location: 11p15.4.
Variant type: single nucleotide variant.
Coding change: c.9592C>T on transcript NM_003737.4 (MANE Select); coding-DNA position 9592, C replaced by T.
Protein change: p.Arg3198Cys; replaces arginine 3198 with cysteine.
Molecular consequence: missense variant.
Genome position (GRCh38, 1-based): chr11:6,622,084, G>A on the plus strand (C>T on the coding strand, the complement: DCHS1 is on the minus strand). VCF-style: chr11-6622084-G-A. GRCh37 (hg19) VCF-style: chr11-6643315-G-A.
Other names: short protein forms R3198C.
Identifiers: ClinVar variation 2993583 (VCV002993583.3), dbSNP rs779065285, ClinGen allele CA5859220.

ClinVar aggregate classification (germline): Uncertain significance (1 of 4 stars; one submission).

Allele frequency attached by ClinVar (database versions not stated): gnomAD 0.00001; TOPMed 0.00001; ExAC 0.00002; gnomAD exomes 0.00003.
gnomAD v4.1: 39 of 1,612,964 alleles (0.0024%); highest among the groups gnomAD compares: Admixed American, 0.0083%; no homozygotes.

Submission:

Labcorp Genetics (formerly Invitae), Labcorp
Classification: Uncertain significance. Last evaluated: 2025-11-24. Review status: criteria provided, single submitter. Criteria: Invitae Variant Classification Sherloc (09022015). Collection method: clinical testing. Allele origin: germline.
Comment: This sequence change replaces arginine, which is basic and polar, with cysteine, which is neutral and slightly polar, at codon 3198 of the DCHS1 protein (p.Arg3198Cys). This variant is present in population databases (rs779065285, gnomAD 0.009%). This variant has not been reported in the literature in individuals affected with DCHS1-related conditions. ClinVar contains an entry for this variant (Variation ID: 2993583). An algorithm developed to predict the effect of missense changes on protein structure and function (PolyPhen-2) suggests that this variant is likely to be disruptive. In summary, the available evidence is currently insufficient to determine the role of this variant in disease. Therefore, it has been classified as a Variant of Uncertain Significance.